The following is an entry in ClinVar:

ClinVar aggregate classification (germline): Uncertain significance (1 of 4 stars; one submission).

Allele frequency attached by ClinVar (database versions not stated): gnomAD exomes below 0.00001.
gnomAD v4.1: 5 of 1,614,134 alleles (0.00031%); highest among the groups gnomAD compares: Non-Finnish European, 0.00042%; no homozygotes.

Submission:

GeneDx
Classification: Uncertain significance. Last evaluated: 2022-06-22. Review status: criteria provided, single submitter. Criteria: GeneDx Variant Classification Process June 2021. Collection method: clinical testing. Allele origin: germline. Affected: yes.
Comment: Not observed at significant frequency in large population cohorts (gnomAD); Has not been previously published as pathogenic or benign to our knowledge

NM_024009.3(GJB3):c.132G>A (p.Trp44Ter)

Gene: GJB3 (gap junction protein beta 3; plus strand). Cytogenetic location: 1p34.3.
Variant type: single nucleotide variant.
Coding change: c.132G>A on transcript NM_024009.3 (MANE Select); coding-DNA position 132, G replaced by A.
Protein change: p.Trp44Ter; replaces tryptophan 44 with a stop codon.
Molecular consequence: nonsense.
Genome position (GRCh38, 1-based): chr1:34,784,894, G>A. VCF-style: chr1-34784894-G-A. GRCh37 (hg19) VCF-style: chr1-35250495-G-A.
Other names: c.132G>A, p.Trp44Ter (NM_001005752.2); short protein forms W44*.
Identifiers: ClinVar variation 1806585 (VCV001806585.1), dbSNP rs1219815312, ClinGen allele CA339311202.